The following is an entry in ClinVar:

NM_000240.4(MAOA):c.421G>A (p.Asp141Asn)

Gene: MAOA (monoamine oxidase A; plus strand). Cytogenetic location: Xp11.3.
Variant type: single nucleotide variant.
Coding change: c.421G>A on transcript NM_000240.4 (MANE Select); coding-DNA position 421, G replaced by A.
Protein change: p.Asp141Asn; replaces aspartic acid 141 with asparagine.
Molecular consequence: missense variant.
Genome position (GRCh38, 1-based): chrX:43,712,714, G>A. VCF-style: chrX-43712714-G-A. GRCh37 (hg19) VCF-style: chrX-43571961-G-A.
Other names: c.22G>A, p.Asp8Asn (NM_001270458.2); short protein forms D141N, D8N.
Identifiers: ClinVar variation 2903491 (VCV002903491.3), dbSNP rs373044189, ClinGen allele CA329464658.
Genomic context (GRCh38, chrX:43,712,714, plus strand): 5'-AAGAGGTGGCAGTTACCATCAAACCTGAGAGGGGACTTCCTTTCTCTACAGATTCCAACT[G>A]ATGCACCCTGGGAGGCTCAACATGCTGACAAATGGGACAAAATGACCATGAAAGAGCTCA-3'
Protein context (NP_000231.1, residues 131-151): IDNMGKEIPT[Asp141Asn]APWEAQHADK

ClinVar aggregate classification (germline): Uncertain significance (1 of 4 stars; one submission).

Conditions:
Brunner syndrome (BRNRS). Identifiers: Orphanet 3057, MedGen C0796275, MONDO:0010379, OMIM 300615.

Allele frequency attached by ClinVar (database versions not stated): TOPMed 0.00004; gnomAD 0.00005; ESP Exome Variant Server 0.00009.
gnomAD v4.1: 6 of 1,200,185 alleles (0.0005%); highest among the groups gnomAD compares: African/African-American, 0.0088%; no homozygotes.

Submission:

Labcorp Genetics (formerly Invitae), Labcorp
Classification: Uncertain significance for Brunner syndrome. Last evaluated: 2023-10-07. Review status: criteria provided, single submitter. Criteria: Invitae Variant Classification Sherloc (09022015). Collection method: clinical testing. Allele origin: germline.
Comment: This sequence change replaces aspartic acid, which is acidic and polar, with asparagine, which is neutral and polar, at codon 141 of the MAOA protein (p.Asp141Asn). This variant is not present in population databases (gnomAD no frequency). This variant has not been reported in the literature in individuals affected with MAOA-related conditions. Advanced modeling of protein sequence and biophysical properties (such as structural, functional, and spatial information, amino acid conservation, physicochemical variation, residue mobility, and thermodynamic stability) performed at Invitae indicates that this missense variant is not expected to disrupt MAOA protein function. In summary, the available evidence is currently insufficient to determine the role of this variant in disease. Therefore, it has been classified as a Variant of Uncertain Significance.